The following is an entry in ClinVar:

ClinVar aggregate classification (germline): Uncertain significance (1 of 4 stars; one submission).

Submission:

Labcorp Genetics (formerly Invitae), Labcorp
Classification: Uncertain significance. Last evaluated: 2025-06-08. Review status: criteria provided, single submitter. Criteria: Invitae Variant Classification Sherloc (09022015). Collection method: clinical testing. Allele origin: germline.
Comment: This sequence change replaces arginine, which is basic and polar, with proline, which is neutral and non-polar, at codon 761 of the TNFAIP3 protein (p.Arg761Pro). This variant is not present in population databases (gnomAD no frequency). This variant has not been reported in the literature in individuals affected with TNFAIP3-related conditions. ClinVar contains an entry for this variant (Variation ID: 1042049). An algorithm developed to predict the effect of missense changes on protein structure and function (PolyPhen-2) suggests that this variant is likely to be disruptive. In summary, the available evidence is currently insufficient to determine the role of this variant in disease. Therefore, it has been classified as a Variant of Uncertain Significance.

NM_001270508.2(TNFAIP3):c.2282G>C (p.Arg761Pro)

Gene: TNFAIP3 (TNF alpha induced protein 3; plus strand). Cytogenetic location: 6q23.3.
Variant type: single nucleotide variant.
Coding change: c.2282G>C on transcript NM_001270508.2 (MANE Select); coding-DNA position 2282, G replaced by C.
Protein change: p.Arg761Pro; replaces arginine 761 with proline.
Molecular consequence: missense variant.
Genome position (GRCh38, 1-based): chr6:137,881,228, G>C. VCF-style: chr6-137881228-G-C. GRCh37 (hg19) VCF-style: chr6-138202365-G-C.
Other names: c.2282G>C, p.Arg761Pro (NM_001270507.2, NM_006290.4); short protein forms R761P.
Identifiers: ClinVar variation 1042049 (VCV001042049.8), dbSNP rs368859219, ClinGen allele CA365797960.